The following is an entry in ClinVar:

ClinVar aggregate classification (germline): Likely benign. Review status: criteria provided, multiple submitters, no conflicts (2 of 4 stars). 5 submissions from 5 submitters: Likely benign (5). Last evaluated 2025-08-24.

Conditions:
Aortic aneurysm, familial thoracic 6 (AAT6). Also called: FAMILIAL THORACIC AORTIC ANEURYSM WITH LIVEDO RETICULARIS AND IRIS FLOCCULI. Identifiers: MedGen C2673186, MONDO:0012730, OMIM 611788.
Familial thoracic aortic aneurysm and aortic dissection (TAAD). Also called: Thoracic aortic aneurysms and dissections. Identifiers: Orphanet 91387, MedGen C4707243, MONDO:0019625.

Allele frequency attached by ClinVar (database versions not stated): gnomAD exomes 0.00001; TOPMed 0.00001; gnomAD 0.00003.
gnomAD v4.1: 4 of 1,613,940 alleles (0.00025%); highest among the groups gnomAD compares: Non-Finnish European, 0.00025%; no homozygotes.

Submissions (5):

Labcorp Genetics (formerly Invitae), Labcorp
Classification: Likely benign for Aortic aneurysm, familial thoracic 6. Last evaluated: 2025-08-24. Review status: criteria provided, single submitter. Criteria: Invitae Variant Classification Sherloc (09022015). Collection method: clinical testing. Allele origin: germline.

Ambry Genetics
Classification: Likely benign for Familial thoracic aortic aneurysm and aortic dissection. Last evaluated: 2024-04-19. Review status: criteria provided, single submitter. Criteria: Ambry Variant Classification Scheme 2023. Collection method: clinical testing. Allele origin: germline.

Blueprint Genetics
Classification: Likely benign. Last evaluated: 2023-09-18. Review status: criteria provided, single submitter. Criteria: ACMG Guidelines, 2015. Collection method: clinical testing. Allele origin: germline.

All of Us Research Program, National Institutes of Health
Classification: Likely benign for Familial thoracic aortic aneurysm and aortic dissection. Last evaluated: 2023-05-31. Review status: criteria provided, single submitter. Criteria: ACMG Guidelines, 2015. Collection method: clinical testing. Allele origin: germline. Inheritance: Autosomal dominant inheritance. Observed: 2 variant alleles, 2 heterozygotes.
Comment: This study involves interpretation of variants in research participants for the purpose of population health screening. Participant phenotype was not available at the time of variant classification. Additional details can be found in publication PMID: 35346344, PMCID: PMC8962531

Color Diagnostics, LLC DBA Color Health
Classification: Likely benign for Familial thoracic aortic aneurysm and aortic dissection. Last evaluated: 2019-08-12. Review status: criteria provided, single submitter. Criteria: ACMG Guidelines, 2015. Collection method: clinical testing. Allele origin: germline.

NM_001613.4(ACTA2):c.1017C>T (p.Tyr339=)

Genes: ACTA2 (actin alpha 2, smooth muscle; minus strand), ACTA2-AS1 (ACTA2 antisense RNA 1; plus strand). Cytogenetic location: 10q23.31.
Variant type: single nucleotide variant.
Coding change: c.1017C>T on transcript NM_001613.4 (MANE Select); coding-DNA position 1017, C replaced by T.
Protein change: p.Tyr339=; no amino-acid change (tyrosine 339 retained).
Molecular consequence: synonymous variant. On other transcripts: non-coding transcript variant (1).
Genome position (GRCh38, 1-based): chr10:88,935,340, G>A on the plus strand (C>T on the coding strand, the complement: ACTA2 is on the minus strand). VCF-style: chr10-88935340-G-A. GRCh37 (hg19) VCF-style: chr10-90695097-G-A.
Other names: c.1017C>T, p.Tyr339= (NM_001141945.3, NM_001320855.2, NM_001406462.1 and 2 more transcripts); c.906C>T, p.Tyr302= (NM_001406466.1); c.888C>T, p.Tyr296= (NM_001406467.1, NM_001406468.1, NM_001406469.1); c.825C>T, p.Tyr275= (NM_001406471.1).
Identifiers: ClinVar variation 697672 (VCV000697672.15), dbSNP rs1418187980, ClinGen allele CA470729110.